The following is an entry in ClinVar:

ClinVar aggregate classification (germline): Uncertain significance (1 of 4 stars; one submission).

Conditions:
Cardiovascular phenotype. Identifiers: MedGen CN230736.

Submission:

Ambry Genetics
Classification: Uncertain significance for Cardiovascular phenotype. Last evaluated: 2022-12-14. Review status: criteria provided, single submitter. Criteria: Ambry Variant Classification Scheme 2023. Collection method: clinical testing. Allele origin: germline.
Comment: The p.F241L variant (also known as c.723T>G), located in coding exon 8 of the TPM1 gene, results from a T to G substitution at nucleotide position 723. The phenylalanine at codon 241 is replaced by leucine, an amino acid with highly similar properties. This amino acid position is conserved. In addition, this alteration is predicted to be deleterious by in silico analysis. Since supporting evidence is limited at this time, the clinical significance of this alteration remains unclear.

NM_001018005.2(TPM1):c.723T>G (p.Phe241Leu)

Gene: TPM1 (tropomyosin 1; plus strand). Cytogenetic location: 15q22.2.
Variant type: single nucleotide variant.
Coding change: c.723T>G on transcript NM_001018005.2 (MANE Select); coding-DNA position 723, T replaced by G.
Protein change: p.Phe241Leu; replaces phenylalanine 241 with leucine.
Molecular consequence: missense variant. On other transcripts: non-coding transcript variant (17).
Genome position (GRCh38, 1-based): chr15:63,062,596, T>G. VCF-style: chr15-63062596-T-G. GRCh37 (hg19) VCF-style: chr15-63354795-T-G.
Other names: c.723T>G, p.Phe241Leu (NM_000366.6, NM_001018004.2, NM_001018006.2 and 20 more transcripts); c.615T>G, p.Phe205Leu (NM_001018008.2, NM_001301289.2, NM_001330344.2 and 9 more transcripts); c.849T>G, p.Phe283Leu (NM_001365778.1, NM_001407322.1, NM_001407323.1 and 1 more transcripts); short protein forms F241L, F283L, F205L.
Identifiers: ClinVar variation 2452598 (VCV002452598.2), dbSNP rs2542850810, ClinGen allele CA392724579.